The following is an entry in ClinVar:

NM_000051.4(ATM):c.1899-1_1902del

Gene: ATM (ATM serine/threonine kinase; plus strand). Cytogenetic location: 11q22.3.
Variant type: Deletion.
Coding change: c.1899-1_1902del on transcript NM_000051.4 (MANE Select); the canonical splice acceptor site of the intron before coding-DNA position 1899 through coding-DNA position 1902, 5 bases deleted (GTGAA; older notation c.1899-1_1902delGTGAA).
Molecular consequence: splice acceptor variant.
Genome position (GRCh38, 1-based): chr11:108,253,813-108,253,817, GTGAA deleted; deleting any 5 consecutive bases within chr11:108,253,809-108,253,817 gives the same sequence; the c. name uses the placement nearest the transcript's 3' end. VCF-style (leftmost placement, unchanged base first): chr11-108253808-TTGAAG-T. GRCh37 (hg19) VCF-style: chr11-108124535-TTGAAG-T.
Other names: c.1899-1_1902del (NM_001351834.2); c.1899-1_1902delGTGAA (NM_000051.3).
Identifiers: ClinVar variation 2705132 (VCV002705132.4), dbSNP rs2497308131, ClinGen allele CA2697548959.

ClinVar aggregate classification (germline): Likely pathogenic. Review status: criteria provided, multiple submitters, no conflicts (2 of 4 stars). 2 submissions from 2 submitters: Likely pathogenic (2). Last evaluated 2025-12-08.

Conditions:
Hereditary cancer-predisposing syndrome. Also called: Neoplastic Syndromes, Hereditary; Hereditary neoplastic syndrome; Tumor predisposition; Hereditary Cancer Syndrome. Identifiers: Orphanet 140162, MedGen C0027672, MeSH D009386, MONDO:0015356.
Ataxia-telangiectasia syndrome (AT). Also called: ATAXIA-TELANGIECTASIA, COMPLEMENTATION GROUP A; ATAXIA-TELANGIECTASIA, FRESNO VARIANT; Ataxia-telangiectasia, complementation group D; LOUIS-BAR SYNDROME; AT, COMPLEMENTATION GROUP C; Ataxia-telangiectasia. Identifiers: Orphanet 100, MedGen C0004135, MONDO:0008840, OMIM 208900.

Submissions (2):

Labcorp Genetics (formerly Invitae), Labcorp
Classification: Likely pathogenic for Ataxia-telangiectasia syndrome. Last evaluated: 2025-12-08. Review status: criteria provided, single submitter. Criteria: Invitae Variant Classification Sherloc (09022015). Collection method: clinical testing. Allele origin: germline.
Comment: This variant results in the deletion of part of exon 13 of the ATM gene. It is expected to disrupt RNA splicing. Variants that disrupt the donor or acceptor splice site typically lead to a loss of protein function (PMID: 16199547), and loss-of-function variants in ATM are known to be pathogenic (PMID: 23807571, 25614872). This variant is not present in population databases (gnomAD no frequency). This variant has not been reported in the literature in individuals affected with ATM-related conditions. ClinVar contains an entry for this variant (Variation ID: 2705132). In summary, the currently available evidence indicates that the variant is pathogenic, but additional data are needed to prove that conclusively. Therefore, this variant has been classified as Likely Pathogenic.

Ambry Genetics
Classification: Likely pathogenic for Hereditary cancer-predisposing syndrome. Last evaluated: 2025-05-29. Review status: criteria provided, single submitter. Criteria: Ambry Variant Classification Scheme 2023. Collection method: clinical testing. Allele origin: germline.
Comment: The c.1899-1_1902delGTGAA variant results from a deletion of 5 nucleotides between positions c.1899-1 and c.1902 and involves the canonical splice acceptor site before coding exon 12 of the ATM gene. This variant is considered to be rare based on population cohorts in the Genome Aggregation Database (gnomAD). The canonical splice acceptor site is highly conserved in available vertebrate species. In silico splice site analysis predicts that this alteration will weaken the native splice acceptor site and will result in the creation or strengthening of a novel splice acceptor site. Alterations that disrupt the canonical splice site are expected to cause aberrant splicing, resulting in an abnormal protein or a transcript that is subject to nonsense-mediated mRNA decay. As such, this alteration is classified as likely pathogenic.

Literature cited by the submitters: PubMed 16199547 (cited by Labcorp Genetics (formerly Invitae), Labcorp); PubMed 23807571 (cited by Labcorp Genetics (formerly Invitae), Labcorp); PubMed 25614872 (cited by Labcorp Genetics (formerly Invitae), Labcorp).